The following is an entry in ClinVar:

NM_004086.3(COCH):c.1251G>A (p.Thr417=)

Genes: COCH (cochlin; plus strand), COCH-AS1 (COCH antisense RNA 1; minus strand). Cytogenetic location: 14q12.
Variant type: single nucleotide variant.
Coding change: c.1251G>A on transcript NM_004086.3 (MANE Select); coding-DNA position 1251, G replaced by A.
Protein change: p.Thr417=; no amino-acid change (threonine 417 retained).
Molecular consequence: synonymous variant. On other transcripts: non-coding transcript variant (1).
Genome position (GRCh38, 1-based): chr14:30,886,086, G>A. VCF-style: chr14-30886086-G-A. GRCh37 (hg19) VCF-style: chr14-31355292-G-A.
Other names: c.1251G>A (NM_001135058.1); c.1251G>A, p.Thr417= (NM_001135058.2); c.1446G>A, p.Thr482= (NM_001347720.2).
Identifiers: ClinVar variation 681898 (VCV000681898.11), dbSNP rs549957619, ClinGen allele CA7143293.

ClinVar aggregate classification (germline): Benign/Likely benign. Review status: criteria provided, multiple submitters, no conflicts (2 of 4 stars). 3 submissions from 3 submitters: Benign (1); Likely benign (1). 1 of the submissions does not count toward it. Last evaluated 2025-08-11.

Conditions:
COCH-related disorder. Also called: COCH-related condition.

Allele frequency attached by ClinVar (database versions not stated): gnomAD 0.00003; gnomAD exomes 0.00023 and 0.00078; TOPMed 0.00025; 1000 Genomes Project 30x 0.00031; 1000 Genomes Project 0.00040; ExAC 0.00083.
gnomAD v4.1: 374 of 1,614,196 alleles (0.023%); highest among the groups gnomAD compares: Admixed American, 0.22%; 3 homozygotes.

Submissions (3):

Labcorp Genetics (formerly Invitae), Labcorp
Classification: Benign. Last evaluated: 2025-08-11. Review status: criteria provided, single submitter. Criteria: Invitae Variant Classification Sherloc (09022015). Collection method: clinical testing. Allele origin: germline.

GeneDx
Classification: Likely benign. Last evaluated: 2018-04-19. Review status: criteria provided, single submitter. Criteria: GeneDx Variant Classification (06012015). Collection method: clinical testing. Allele origin: germline. Affected: yes.
Comment: This variant is considered likely benign or benign based on one or more of the following criteria: it is a conservative change, it occurs at a poorly conserved position in the protein, it is predicted to be benign by multiple in silico algorithms, and/or has population frequency not consistent with disease.

PreventionGenetics, part of Exact Sciences
Classification: Likely benign for COCH-related condition. Last evaluated: 2023-11-27. Review status: no assertion criteria provided. Collection method: clinical testing. Allele origin: germline. Not counted in ClinVar's aggregate classification.
Comment: This variant is classified as likely benign based on ACMG/AMP sequence variant interpretation guidelines (Richards et al. 2015 PMID: 25741868, with internal and published modifications).